The following is an entry in ClinVar:

ClinVar aggregate classification (germline): Likely benign (0 of 4 stars; one submission).

Conditions:
CELSR1-related disorder. Also called: CELSR1-related condition.

Submission:

PreventionGenetics, part of Exact Sciences
Classification: Likely benign for CELSR1-related condition. Last evaluated: 2024-08-15. Review status: no assertion criteria provided. Collection method: clinical testing. Allele origin: germline.
Comment: This variant is classified as likely benign based on ACMG/AMP sequence variant interpretation guidelines (Richards et al. 2015 PMID: 25741868, with internal and published modifications).

NM_001378328.1(CELSR1):c.573T>A (p.Ala191=)

Gene: CELSR1 (cadherin EGF LAG seven-pass G-type receptor 1; minus strand). Cytogenetic location: 22q13.31.
Variant type: single nucleotide variant.
Coding change: c.573T>A on transcript NM_001378328.1 (MANE Select); coding-DNA position 573, T replaced by A.
Protein change: p.Ala191=; no amino-acid change (alanine 191 retained).
Molecular consequence: synonymous variant.
Genome position (GRCh38, 1-based): chr22:46,536,598, A>T on the plus strand (T>A on the coding strand, the complement: CELSR1 is on the minus strand). VCF-style: chr22-46536598-A-T. GRCh37 (hg19) VCF-style: chr22-46932495-A-T.
Other names: c.573T>A, p.Ala191= (NM_014246.4).
Identifiers: ClinVar variation 3344690 (VCV003344690.1).